The following is an entry in ClinVar:

NM_001134665.3(TRMT10A):c.379C>T (p.Arg127Ter)

Gene: TRMT10A (tRNA methyltransferase 10A; minus strand). Cytogenetic location: 4q23.
Variant type: single nucleotide variant.
Coding change: c.379C>T on transcript NM_001134665.3 (MANE Select); coding-DNA position 379, C replaced by T.
Protein change: p.Arg127Ter; replaces arginine 127 with a stop codon.
Molecular consequence: nonsense.
Genome position (GRCh38, 1-based): chr4:99,557,386, G>A on the plus strand (C>T on the coding strand, the complement: TRMT10A is on the minus strand). VCF-style: chr4-99557386-G-A. GRCh37 (hg19) VCF-style: chr4-100478543-G-A.
Other names: p.Arg127Ter; c.379C>T, p.Arg127Ter (NM_001134666.3, NM_152292.5); c.379C>T (NM_001375881.1); short protein forms R127*.
Identifiers: ClinVar variation 156229 (VCV000156229.10), dbSNP rs587777743, ClinGen allele CA170797.

ClinVar aggregate classification (germline): Pathogenic/Likely pathogenic. Review status: criteria provided, multiple submitters, no conflicts (2 of 4 stars). 4 submissions from 4 submitters: Pathogenic (2); Likely pathogenic (1). 1 of the submissions does not count toward it. Last evaluated 2024-03-10.

Conditions:
Microcephaly, short stature, and impaired glucose metabolism 1 (MSSGM1). Identifiers: Orphanet 391408, MedGen C4014997, MONDO:0000208, OMIM 616033.

Allele frequency attached by ClinVar (database versions not stated): gnomAD exomes 0.00001; TOPMed 0.00001.

Submissions (4):

Labcorp Genetics (formerly Invitae), Labcorp
Classification: Pathogenic. Last evaluated: 2024-03-10. Review status: criteria provided, single submitter. Criteria: Invitae Variant Classification Sherloc (09022015). Collection method: clinical testing. Allele origin: germline.
Comment: This sequence change creates a premature translational stop signal (p.Arg127*) in the TRMT10A gene. It is expected to result in an absent or disrupted protein product. Loss-of-function variants in TRMT10A are known to be pathogenic (PMID: 24204302, 26535115). This variant is not present in population databases (gnomAD no frequency). This premature translational stop signal has been observed in individual(s) with clinical features of TRMT10A-related conditions (PMID: 34686905). ClinVar contains an entry for this variant (Variation ID: 156229). Algorithms developed to predict the effect of sequence changes on RNA splicing suggest that this variant may disrupt the consensus splice site. For these reasons, this variant has been classified as Pathogenic.

Foundation for Research in Genetics and Endocrinology, FRIGE's Institute of Human Genetics
Classification: Pathogenic for Microcephaly, short stature, and impaired glucose metabolism 1. Last evaluated: 2022-12-08. Review status: criteria provided, single submitter. Criteria: ACMG Guidelines, 2015. Collection method: clinical testing. Allele origin: germline. Inheritance: Autosomal recessive inheritance. Affected: yes. Observed: 1 homozygote.
Comment: A homozygous nonsense variation in exon 4 of the TRMT10A gene that results in a stop codon and premature truncation of the protein at codon 127 (p.Arg127Ter) was detected. The observed variation has not been reported in the 1000 genomes and gnomAD databases. The in silico predictions of the variant is damaging by MutationTaster2. The reference codon is conserved across species. In summary, the variant meets our criteria to be classified as pathogenic.

Child Neurology Department, Hôpital Universitaire de Bruxelles
Classification: Likely pathogenic for Microcephaly, short stature, and impaired glucose metabolism 1. Review status: criteria provided, single submitter. Criteria: ACMG Guidelines, 2015. Collection method: clinical testing. Allele origin: inherited. Affected: yes.

OMIM
Classification: Pathogenic for MICROCEPHALY, SHORT STATURE, AND IMPAIRED GLUCOSE METABOLISM 1. Last evaluated: 2013-10-01. Review status: no assertion criteria provided. Collection method: literature only. Allele origin: germline. Not counted in ClinVar's aggregate classification.

Literature cited by the submitters: PubMed 24204302 (cited by 3 submitters); PubMed 26535115 (cited by Labcorp Genetics (formerly Invitae), Labcorp); PubMed 34686905 (cited by Labcorp Genetics (formerly Invitae), Labcorp).